The following is an entry in ClinVar:

NM_001370466.1(NOD2):c.85G>C (p.Val29Leu)

Gene: NOD2 (nucleotide binding oligomerization domain containing 2; plus strand). Cytogenetic location: 16q12.1.
Variant type: single nucleotide variant.
Coding change: c.85G>C on transcript NM_001370466.1 (MANE Select); coding-DNA position 85, G replaced by C.
Protein change: p.Val29Leu; replaces valine 29 with leucine.
Molecular consequence: missense variant. On other transcripts: non-coding transcript variant (1).
Genome position (GRCh38, 1-based): chr16:50,699,580, G>C. VCF-style: chr16-50699580-G-C. GRCh37 (hg19) VCF-style: chr16-50733491-G-C.
Other names: c.85G>C, p.Val29Leu (NM_001293557.2); c.166G>C, p.Val56Leu (NM_022162.3); short protein forms V29L, V56L.
Identifiers: ClinVar variation 3901668 (VCV003901668.1).

ClinVar aggregate classification (germline): Uncertain significance (1 of 4 stars; one submission).

Submission:

GeneDx
Classification: Uncertain significance. Last evaluated: 2024-12-03. Review status: criteria provided, single submitter. Criteria: GeneDx Variant Classification Process June 2021. Collection method: clinical testing. Allele origin: germline. Affected: yes.
Comment: Not observed at significant frequency in large population cohorts (gnomAD); In silico analysis indicates that this missense variant does not alter protein structure/function; Has not been previously published as pathogenic or benign to our knowledge